The following is an entry in ClinVar:

NM_006895.3(HNMT):c.317C>T (p.Ser106Leu)

Gene: HNMT (histamine N-methyltransferase; plus strand). Cytogenetic location: 2q22.1.
Variant type: single nucleotide variant.
Coding change: c.317C>T on transcript NM_006895.3 (MANE Select); coding-DNA position 317, C replaced by T.
Protein change: p.Ser106Leu; replaces serine 106 with leucine.
Molecular consequence: missense variant.
Genome position (GRCh38, 1-based): chr2:138,002,082, C>T. VCF-style: chr2-138002082-C-T. GRCh37 (hg19) VCF-style: chr2-138759652-C-T.
Other names: short protein forms S106L.
Identifiers: ClinVar variation 1032500 (VCV001032500.1), dbSNP rs755441595, ClinGen allele CA1891751.

ClinVar aggregate classification (germline): Uncertain significance (1 of 4 stars; one submission).

Conditions:
Intellectual developmental disorder, autosomal recessive 51. Also called: Intellectual disability, autosomal recessive 51. Identifiers: Orphanet 88616, MedGen C4225220, MONDO:0014759, OMIM 616739.

Allele frequency attached by ClinVar (database versions not stated): TOPMed 0.00003.

Submission:

Baylor Genetics
Classification: Uncertain significance for Intellectual developmental disorder, autosomal recessive 51. Last evaluated: 2018-07-31. Review status: criteria provided, single submitter. Criteria: ACMG Guidelines, 2015. Collection method: clinical testing. Allele origin: unknown. Affected: yes.
Comment: This variant was determined to be of uncertain significance according to ACMG Guidelines, 2015 [PMID:25741868].